The following is an entry in ClinVar:

NM_001278293.3(ARL6):c.426A>C (p.Lys142Asn)

Gene: ARL6 (ARF like GTPase 6; plus strand). Cytogenetic location: 3q11.2.
Variant type: single nucleotide variant.
Coding change: c.426A>C on transcript NM_001278293.3 (MANE Select); coding-DNA position 426, A replaced by C.
Protein change: p.Lys142Asn; replaces lysine 142 with asparagine.
Molecular consequence: missense variant. On other transcripts: non-coding transcript variant (7).
Genome position (GRCh38, 1-based): chr3:97,788,066, A>C. VCF-style: chr3-97788066-A-C. GRCh37 (hg19) VCF-style: chr3-97506910-A-C.
Other names: c.426A>C, p.Lys142Asn (NM_001323513.2, NM_001323514.2, NM_032146.5 and 1 more transcripts); short protein forms K142N.
Identifiers: ClinVar variation 3351604 (VCV003351604.1).

ClinVar aggregate classification (germline): Uncertain significance (0 of 4 stars; one submission).

Conditions:
ARL6-related disorder. Also called: ARL6-related condition.

gnomAD v4.1: 3 of 1,613,270 alleles (0.00019%); highest among the groups gnomAD compares: Non-Finnish European, 0.00025%; no homozygotes.

Submission:

PreventionGenetics, part of Exact Sciences
Classification: Uncertain significance for ARL6-related condition. Last evaluated: 2024-09-05. Review status: no assertion criteria provided. Collection method: clinical testing. Allele origin: germline.
Comment: The ARL6 c.426A>C variant is predicted to result in the amino acid substitution p.Lys142Asn. To our knowledge, this variant has not been reported in the literature or in a large population database, indicating this variant is rare. At this time, the clinical significance of this variant is uncertain due to the absence of conclusive functional and genetic evidence.